The following is an entry in ClinVar:

ClinVar aggregate classification (germline): Uncertain significance (1 of 4 stars; one submission).

Conditions:
Amyotrophic lateral sclerosis type 1 (ALS1). Also called: AMYOTROPHIC LATERAL SCLEROSIS 1, FAMILIAL. Identifiers: Orphanet 803, MedGen C1862939, MONDO:0007103, OMIM 105400.
Perry syndrome. Also called: PARKINSONISM WITH ALVEOLAR HYPOVENTILATION AND MENTAL DEPRESSION. Identifiers: Orphanet 178509, MedGen C1868594, MONDO:0008201, OMIM 168605.
Neuronopathy, distal hereditary motor, type 7B. Also called: NEURONOPATHY, DISTAL HEREDITARY MOTOR, AUTOSOMAL DOMINANT 14; NEURONOPATHY, DISTAL HEREDITARY MOTOR, HARDING TYPE VIIB; NEUROPATHY, DISTAL HEREDITARY MOTOR, HARDING TYPE VIIB; NEUROPATHY, DISTAL HEREDITARY MOTOR, WITH VOCAL CORD PARALYSIS, HARDING TYPE VIIB; HMN VIIB; LOWER MOTOR NEURON DISEASE, DYNACTIN TYPE. Identifiers: Orphanet 139589, MedGen C1843315, MONDO:0011879, OMIM 607641.

Allele frequency attached by ClinVar (database versions not stated): ExAC 0.00001; gnomAD exomes 0.00001; TOPMed 0.00002.
gnomAD v4.1: 29 of 1,614,170 alleles (0.0018%); highest among the groups gnomAD compares: East Asian, 0.0045%; no homozygotes.

Submission:

Labcorp Genetics (formerly Invitae), Labcorp
Classification: Uncertain significance for Amyotrophic lateral sclerosis type 1; Neuronopathy, distal hereditary motor, type 7B; Perry syndrome. Last evaluated: 2025-09-30. Review status: criteria provided, single submitter. Criteria: Invitae Variant Classification Sherloc (09022015). Collection method: clinical testing. Allele origin: germline.
Comment: This sequence change replaces arginine, which is basic and polar, with histidine, which is basic and polar, at codon 932 of the DCTN1 protein (p.Arg932His). This variant is present in population databases (rs767725965, gnomAD 0.003%). This variant has not been reported in the literature in individuals affected with DCTN1-related conditions. ClinVar contains an entry for this variant (Variation ID: 839578). Invitae Evidence Modeling of protein sequence and biophysical properties (such as structural, functional, and spatial information, amino acid conservation, physicochemical variation, residue mobility, and thermodynamic stability) has been performed for this missense variant. However, the output from this modeling did not meet the statistical confidence thresholds required to predict the impact of this variant on DCTN1 protein function. In summary, the available evidence is currently insufficient to determine the role of this variant in disease. Therefore, it has been classified as a Variant of Uncertain Significance.

NM_004082.5(DCTN1):c.2795G>A (p.Arg932His)

Gene: DCTN1 (dynactin subunit 1; minus strand). Cytogenetic location: 2p13.1.
Variant type: single nucleotide variant.
Coding change: c.2795G>A on transcript NM_004082.5 (MANE Select); coding-DNA position 2795, G replaced by A.
Protein change: p.Arg932His; replaces arginine 932 with histidine.
Molecular consequence: missense variant. On other transcripts: non-coding transcript variant (1).
Genome position (GRCh38, 1-based): chr2:74,365,984, C>T on the plus strand (G>A on the coding strand, the complement: DCTN1 is on the minus strand). VCF-style: chr2-74365984-C-T. GRCh37 (hg19) VCF-style: chr2-74593111-C-T.
Other names: c.2735G>A, p.Arg912His (NM_001135040.3); c.2393G>A, p.Arg798His (NM_001135041.3, NM_023019.4); c.2684G>A, p.Arg895His (NM_001190836.2); c.2774G>A, p.Arg925His (NM_001190837.2); c.2744G>A, p.Arg915His (NM_001378991.1); c.2726G>A, p.Arg909His (NM_001378992.1); short protein forms R798H, R912H, R932H, R895H, R925H, R909H, R915H.
Identifiers: ClinVar variation 839578 (VCV000839578.8), dbSNP rs767725965, ClinGen allele CA1721711.